The following is an entry in ClinVar:

ClinVar aggregate classification (germline): Uncertain significance. Review status: criteria provided, multiple submitters, no conflicts (2 of 4 stars). 2 submissions from 2 submitters: Uncertain significance (2). Last evaluated 2025-07-08.

Conditions:
Congenital myasthenic syndrome 4A. Also called: CONGENITAL MYASTHENIC SYNDROME TYPE Ia1; MYASTHENIC SYNDROME, CONGENITAL, 4A, SLOW-CHANNEL, AUTOSOMAL RECESSIVE; Myasthenic syndrome, congenital, 4a, slow-channel. Identifiers: Orphanet 590, MedGen C4225413, MONDO:0011600, OMIM 605809.

Allele frequency attached by ClinVar (database versions not stated): ExAC 0.00001; TOPMed 0.00002; gnomAD 0.00003 and 0.00004; ESP Exome Variant Server 0.00008.
gnomAD v4.1: 15 of 1,611,788 alleles (0.00093%); highest among the groups gnomAD compares: African/African-American, 0.0013%; no homozygotes.

Submissions (2):

Labcorp Genetics (formerly Invitae), Labcorp
Classification: Uncertain significance for Congenital myasthenic syndrome 4A. Last evaluated: 2025-07-08. Review status: criteria provided, single submitter. Criteria: Invitae Variant Classification Sherloc (09022015). Collection method: clinical testing. Allele origin: germline.
Comment: This sequence change replaces cysteine, which is neutral and slightly polar, with serine, which is neutral and polar, at codon 423 of the CHRNE protein (p.Cys423Ser). This variant is present in population databases (rs372515997, gnomAD 0.005%). This variant has not been reported in the literature in individuals affected with CHRNE-related conditions. ClinVar contains an entry for this variant (Variation ID: 1439995). Invitae Evidence Modeling of protein sequence and biophysical properties (such as structural, functional, and spatial information, amino acid conservation, physicochemical variation, residue mobility, and thermodynamic stability) has been performed for this missense variant. However, the output from this modeling did not meet the statistical confidence thresholds required to predict the impact of this variant on CHRNE protein function. In summary, the available evidence is currently insufficient to determine the role of this variant in disease. Therefore, it has been classified as a Variant of Uncertain Significance.

Revvity Omics, Revvity
Classification: Uncertain significance. Last evaluated: 2019-11-08. Review status: criteria provided, single submitter. Criteria: ACMG Guidelines, 2015. Collection method: clinical testing. Allele origin: germline.

NM_000080.4(CHRNE):c.1267T>A (p.Cys423Ser)

Gene: CHRNE (cholinergic receptor nicotinic epsilon subunit; minus strand). Cytogenetic location: 17p13.2.
Variant type: single nucleotide variant.
Coding change: c.1267T>A on transcript NM_000080.4 (MANE Select); coding-DNA position 1267, T replaced by A.
Protein change: p.Cys423Ser; replaces cysteine 423 with serine.
Molecular consequence: missense variant.
Genome position (GRCh38, 1-based): chr17:4,899,060, A>T on the plus strand (T>A on the coding strand, the complement: CHRNE is on the minus strand). VCF-style: chr17-4899060-A-T. GRCh37 (hg19) VCF-style: chr17-4802355-A-T.
Other names: c.1267T>A (NM_000080.3); short protein forms C423S.
Identifiers: ClinVar variation 1439995 (VCV001439995.6), dbSNP rs372515997, ClinGen allele CA8313913.
Genomic context (GRCh38, chr17:4,899,060, plus strand): 5'-CCTCGCCGGTGGCCTCCTGATCTCTCGTGCTCTCGGCCACGAAGTTCACGGCATCCACAC[A>T]GCAGCGGACCTCGGGGGCGGCGGCGCCCAGGCTCTGGCAGAAGGCAGCTGGCGGGGAAAA-3'
Protein context (NP_000071.1, residues 413-433): LGAAAPEVRC[Cys423Ser]VDAVNFVAES